The following is an entry in ClinVar:

ClinVar aggregate classification (germline): Benign (1 of 4 stars; one submission).

Allele frequency attached by ClinVar (database versions not stated): ESP Exome Variant Server 0.15570; gnomAD 0.18337; TOPMed 0.18345; gnomAD exomes 0.19952; ExAC 0.21123; 1000 Genomes Project 30x 0.21580; 1000 Genomes Project 0.22224.
gnomAD v4.1: 282,768 of 1,431,338 alleles (20%); highest among the groups gnomAD compares: East Asian, 41%; 31,045 homozygotes.

Submission:

Unidad de Genómica Garrahan, Hospital de Pediatría Garrahan
Classification: Benign. Last evaluated: 2024-01-24. Review status: criteria provided, single submitter. Criteria: ACMG Guidelines, 2015. Collection method: clinical testing. Allele origin: germline. Affected: no. Observed: 42 variant alleles.
Comment: This variant is classified as Benign based on local population frequency. This variant was detected in 48% of patients studied by a panel of primary immunodeficiencies. Number of patients: 42. Only high quality variants are reported.

NM_000878.5(IL2RB):c.89-38A>G

Gene: IL2RB (interleukin 2 receptor subunit beta; minus strand). Cytogenetic location: 22q12.3.
Variant type: single nucleotide variant.
Coding change: c.89-38A>G on transcript NM_000878.5 (MANE Select); 38 bases into the intron before coding-DNA position 89, A replaced by G.
Molecular consequence: intron variant.
Genome position (GRCh38, 1-based): chr22:37,143,673, T>C on the plus strand (A>G on the coding strand, the complement: IL2RB is on the minus strand). VCF-style: chr22-37143673-T-C. GRCh37 (hg19) VCF-style: chr22-37539713-T-C.
Other names: c.89-38A>G (NM_001346222.1, NM_001346223.2).
Identifiers: ClinVar variation 2688422 (VCV002688422.2), dbSNP rs2235330, ClinGen allele CA10216759.